The following is an entry in ClinVar:

ClinVar aggregate classification (germline): Pathogenic (1 of 4 stars; one submission).

Conditions:
Marfan syndrome (MFS). Also called: MARFAN SYNDROME, TYPE I; FBN1-Related Marfan Syndrome; Marfan syndrome type 1; Marfan's syndrome; Marfan syndrome, classic. Identifiers: Orphanet 284963, Orphanet 558, MedGen C0024796, MONDO:0007947, OMIM 154700.
Familial thoracic aortic aneurysm and aortic dissection (TAAD). Also called: Thoracic aortic aneurysms and dissections. Identifiers: Orphanet 91387, MedGen C4707243, MONDO:0019625.

Submission:

Labcorp Genetics (formerly Invitae), Labcorp
Classification: Pathogenic for Marfan syndrome; Familial thoracic aortic aneurysm and aortic dissection. Last evaluated: 2017-01-12. Review status: criteria provided, single submitter. Criteria: Invitae Variant Classification Sherloc (09022015). Collection method: clinical testing. Allele origin: germline.
Comment: This variant is a gross deletion of the genomic region encompassing exons 11-15 of the FBN1 gene. This leads to an in-frame deletion, preserving the integrity of the reading frame. This variant has not been reported in the literature in an individual with a FBN1-related condition. This gross deletion affects the epidermal-growth-factor (EGF)‚Äìlike domain of the FBN1 protein. Cysteine residues in this domain have been shown to be involved in the formation of disulfide bridges, which are critical for FBN1 protein structure and stability (PMID: 10486319, 3495735, 4750422, 16677079). In addition, missense substitutions within the FBN1 EGF-like domains affecting cysteine residues are significantly overrepresented among patients with Marfan syndrome (PMID: 16571647, 17701892), and variants within exons 11-15 have been classified as likely pathogenic or pathogenic (PMID: 10486319, 18471089, 21542060, 21932315, 795121, 27112580, Invitae). In summary, this is a rare gross deletion that affects a protein domain crucial for FBN1 protein function. For these reasons, this deletion has been classified as Pathogenic.

Literature cited by the submitters: PubMed 10486319; PubMed 3495735; PubMed 4750422; PubMed 16677079; PubMed 16571647; PubMed 17701892; PubMed 18471089; PubMed 21542060; PubMed 21932315; PubMed 795121; PubMed 27112580.

NC_000015.10:g.(?_48508562)_(48516382_?)del

Gene: FBN1 (fibrillin 1; minus strand). Cytogenetic location: 15q21.1.
Variant type: Deletion.
Identifiers: ClinVar variation 457155 (VCV000457155.7).